The following is an entry in ClinVar:

NM_001353345.2(SETD1B):c.5626G>A (p.Glu1876Lys)

Gene: SETD1B (SET domain containing 1B, histone lysine methyltransferase; plus strand). Cytogenetic location: 12q24.31.
Variant type: single nucleotide variant.
Coding change: c.5626G>A on transcript NM_001353345.2 (MANE Select); coding-DNA position 5626, G replaced by A.
Protein change: p.Glu1876Lys; replaces glutamic acid 1876 with lysine.
Molecular consequence: missense variant.
Genome position (GRCh38, 1-based): chr12:121,827,969, G>A. VCF-style: chr12-121827969-G-A. GRCh37 (hg19) VCF-style: chr12-122265875-G-A.
Other names: NM_015048.1:c.5497G>A; short protein forms E1876K.
Identifiers: ClinVar variation 3160627 (VCV003160627.2), dbSNP rs376735409, ClinGen allele CA6839326.
Genomic context (GRCh38, chr12:121,827,969, plus strand): 5'-AGACTGACCCCCTTTTGTGGCCAGGTGATCGCAGACATGCGGGAGAAGCGTTATGAGGAC[G>A]AGGGCATCGGGAGCAGCTACATGTTCCGGGTGGACCATGACACCATCATCGACGCCACCA-3'
Protein context (NP_001340274.1, residues 1866-1886): ADMREKRYED[Glu1876Lys]GIGSSYMFRV

ClinVar aggregate classification (germline): Uncertain significance. Review status: criteria provided, single submitter (1 of 4 stars). 2 submissions from 2 submitters: Uncertain significance (1). 1 of the submissions does not count toward it. Last evaluated 2023-12-14.

Conditions:
Intellectual developmental disorder with seizures and language delay (IDDSELD). Identifiers: MedGen C5436574, MONDO:0033559, OMIM 619000.
Inborn genetic diseases. Identifiers: MedGen C0950123, MeSH D030342.

Allele frequency attached by ClinVar (database versions not stated): ExAC 0.00004; TOPMed 0.00016; gnomAD 0.00017; gnomAD exomes 0.00002; 1000 Genomes Project 0.00020; 1000 Genomes Project 30x 0.00031; ESP Exome Variant Server 0.00044.
gnomAD v4.1: 54 of 1,552,036 alleles (0.0035%); highest among the groups gnomAD compares: African/African-American, 0.051%; no homozygotes.

Submissions (2):

Ambry Genetics
Classification: Uncertain significance for Inborn genetic diseases. Last evaluated: 2023-12-14. Review status: criteria provided, single submitter. Criteria: Ambry Variant Classification Scheme 2023. Collection method: clinical testing. Allele origin: germline.

Hong-Tao Li Lab, Institute of Brain Science and Brain-inspired Research, Shandong First Medical University & Shandong Academy of Medical Sciences China
Classification: Uncertain significance for Intellectual developmental disorder with seizures and language delay. Review status: no assertion criteria provided. Collection method: research. Allele origin: germline. Inheritance: Autosomal dominant inheritance. Affected: yes. Observed: 1 variant allele, 1 heterozygote. Not counted in ClinVar's aggregate classification.
Comment: Observed in affected individuals from a Pakistani neurodevelopmental-disorder research cohort of 263 individuals. Classification assigned using the ACMG/AMP framework. Population-frequency evidence: gnomAD AF 4.725e-05.